The following is an entry in ClinVar:

NM_002474.3(MYH11):c.3275dup (p.Gln1093fs)

Gene: MYH11 (myosin heavy chain 11; minus strand). Cytogenetic location: 16p13.11.
Variant type: Duplication.
Coding change: c.3275dup on transcript NM_002474.3 (MANE Select); coding-DNA position 3275, one base duplicated (T; older notation c.3275dupT).
Protein change: p.Gln1093fs; shifts the reading frame from glutamine 1093.
Molecular consequence: frameshift variant.
Genome position (GRCh38, 1-based): chr16:15,737,467, A duplicated on the plus strand (T on the coding strand, the reverse complement: MYH11 is on the minus strand). VCF-style (leftmost placement, unchanged base first): chr16-15737466-C-CA. GRCh37 (hg19) VCF-style: chr16-15831323-C-CA.
Other names: c.3296dup, p.Gln1100fs (NM_001040113.2, NM_001040114.2); c.3275dup, p.Gln1093fs (NM_022844.3); short protein forms Q1093fs, Q1100fs.
Identifiers: ClinVar variation 3387199 (VCV003387199.1).

ClinVar aggregate classification (germline): Uncertain significance (1 of 4 stars; one submission).

Conditions:
Familial thoracic aortic aneurysm and aortic dissection (TAAD). Also called: Thoracic aortic aneurysms and dissections. Identifiers: Orphanet 91387, MedGen C4707243, MONDO:0019625.

Submission:

All of Us Research Program, National Institutes of Health
Classification: Uncertain significance for Familial thoracic aortic aneurysm and aortic dissection. Last evaluated: 2024-02-22. Review status: criteria provided, single submitter. Criteria: ACMG Guidelines, 2015. Collection method: clinical testing. Allele origin: germline. Inheritance: Autosomal dominant inheritance. Observed: 1 variant allele, 1 heterozygote.
Comment: This variant inserts 1 nucleotide in exon 26 of the MYH11 gene, creating a frameshift and premature translation stop signal. This variant is expected to result in an absent or non-functional protein product. To our knowledge, this variant has not been reported in individuals affected with MYH11-related disorders in the literature. This variant has not been identified in the general population by the Genome Aggregation Database (gnomAD). Clinical relevance of loss-of-function MYH11 truncation variants in autosomal dominant cardiovascular disorders is not clearly established. The available evidence is insufficient to determine the role of this variant in disease conclusively. Therefore, this variant is classified as a Variant of Uncertain Significance.

This study involves interpretation of variants in research participants for the purpose of population health screening. Participant phenotype was not available at the time of variant classification. Additional details can be found in publication PMID: 35346344, PMCID: PMC8962531